The following is an entry in ClinVar:

ClinVar aggregate classification (germline): Likely benign (1 of 4 stars; one submission).

Conditions:
SEMA3G-related disorder. Also called: SEMA3G-related condition.

Submission:

PreventionGenetics, part of Exact Sciences
Classification: Likely benign for SEMA3G-related condition. Last evaluated: 2026-04-29. Review status: criteria provided, single submitter. Criteria: ACMG Guidelines, 2015. Collection method: clinical testing. Allele origin: germline.
Comment: This variant is classified as likely benign based on ACMG/AMP sequence variant interpretation guidelines (Richards et al. 2015 PMID: 25741868, with internal and published modifications).

NM_020163.3(SEMA3G):c.435C>T (p.Leu145=)

Gene: SEMA3G (semaphorin 3G; minus strand). Cytogenetic location: 3p21.1.
Variant type: single nucleotide variant.
Coding change: c.435C>T on transcript NM_020163.3 (MANE Select); coding-DNA position 435, C replaced by T.
Protein change: p.Leu145=; no amino-acid change (leucine 145 retained).
Molecular consequence: synonymous variant.
Genome position (GRCh38, 1-based): chr3:52,442,209, G>A on the plus strand (C>T on the coding strand, the complement: SEMA3G is on the minus strand). VCF-style: chr3-52442209-G-A. GRCh37 (hg19) VCF-style: chr3-52476225-G-A.
Identifiers: ClinVar variation 4994984 (VCV004994984.1).